The following is an entry in ClinVar:

ClinVar aggregate classification (germline): Uncertain significance. Review status: criteria provided, multiple submitters, no conflicts (2 of 4 stars). 2 submissions from 2 submitters: Uncertain significance (2). Last evaluated 2023-12-05.

Conditions:
Aortic aneurysm, familial thoracic 4 (AAT4). Also called: AORTIC ANEURYSM/AORTIC DISSECTION AND PATENT DUCTUS ARTERIOSUS. Identifiers: MedGen C1851504, MONDO:0007568, OMIM 132900.
Familial thoracic aortic aneurysm and aortic dissection (TAAD). Also called: Thoracic aortic aneurysms and dissections. Identifiers: Orphanet 91387, MedGen C4707243, MONDO:0019625.

Submissions (2):

Color Diagnostics, LLC DBA Color Health
Classification: Uncertain significance for Familial thoracic aortic aneurysm and aortic dissection. Last evaluated: 2023-12-05. Review status: criteria provided, single submitter. Criteria: ACMG Guidelines, 2015. Collection method: clinical testing. Allele origin: germline.
Comment: This missense variant replaces arginine with glycine at codon 1603 of the MYH11 protein. Computational prediction tools and conservation analyses suggest that this variant may have deleterious impact on the protein function. Computational splicing tools suggest that this variant may not impact RNA splicing. To our knowledge, functional assays have not been performed for this variant nor has this variant been reported in individuals affected with cardiovascular disorders in the literature. This variant has not been identified in the general population by the Genome Aggregation Database (gnomAD). Available evidence is insufficient to determine the role of this variant in disease conclusively. Therefore, this variant is classified as a Variant of Uncertain Significance.

Labcorp Genetics (formerly Invitae), Labcorp
Classification: Uncertain significance for Aortic aneurysm, familial thoracic 4. Last evaluated: 2023-10-13. Review status: criteria provided, single submitter. Criteria: Invitae Variant Classification Sherloc (09022015). Collection method: clinical testing. Allele origin: germline.
Comment: This sequence change replaces arginine, which is basic and polar, with glycine, which is neutral and non-polar, at codon 1603 of the MYH11 protein (p.Arg1603Gly). This variant is not present in population databases (gnomAD no frequency). This variant has not been reported in the literature in individuals affected with MYH11-related conditions. ClinVar contains an entry for this variant (Variation ID: 926287). Advanced modeling of protein sequence and biophysical properties (such as structural, functional, and spatial information, amino acid conservation, physicochemical variation, residue mobility, and thermodynamic stability) performed at Invitae indicates that this missense variant is not expected to disrupt MYH11 protein function. In summary, the available evidence is currently insufficient to determine the role of this variant in disease. Therefore, it has been classified as a Variant of Uncertain Significance.

NM_002474.3(MYH11):c.4786A>G (p.Arg1596Gly)

Genes: NDE1 (nudE neurodevelopment protein 1; plus strand), MYH11 (myosin heavy chain 11; minus strand). Cytogenetic location: 16p13.11.
Variant type: single nucleotide variant.
Coding change: c.4786A>G on transcript NM_002474.3 (MANE Select); coding-DNA position 4786, A replaced by G.
Protein change: p.Arg1596Gly; replaces arginine 1596 with glycine.
Molecular consequence: missense variant. On other transcripts: intron variant (2).
Genome position (GRCh38, 1-based): chr16:15,720,844, T>C on the plus strand (A>G on the coding strand, the complement: MYH11 is on the minus strand). VCF-style: chr16-15720844-T-C. GRCh37 (hg19) VCF-style: chr16-15814701-T-C.
Other names: c.4807A>G, p.Arg1603Gly (NM_001040113.2, NM_001040114.2); c.4786A>G, p.Arg1596Gly (NM_022844.3); c.948-3347T>C (NM_001143979.2, NM_017668.3); short protein forms R1603G, R1596G.
Identifiers: ClinVar variation 926287 (VCV000926287.11), dbSNP rs754931029, ClinGen allele CA394853337.
Genomic context (GRCh38, chr16:15,720,844, plus strand): 5'-AGGAATGAAAAAGGCCACCCGACCTCCCTCTGCTGGCCTCCCCGGCAGCACGCACCTGTC[T>C]CTGCAGTTGCCTCCTCTTCTCCTCATTCTGCTCGTCCCGGGCTTGGAGATCCCTTTCGAA-3'
Protein context (NP_002465.1, residues 1586-1606): QNEEKRRQLQ[Arg1596Gly]QLHEYETELE